The following is an entry in ClinVar:

NM_001144074.3(DET1):c.600C>T (p.Thr200=)

Gene: DET1 (DET1 partner of COP1 E3 ubiquitin ligase; minus strand). Cytogenetic location: 15q26.1.
Variant type: single nucleotide variant.
Coding change: c.600C>T on transcript NM_001144074.3 (MANE Select); coding-DNA position 600, C replaced by T.
Protein change: p.Thr200=; no amino-acid change (threonine 200 retained).
Molecular consequence: synonymous variant. On other transcripts: non-coding transcript variant (5).
Genome position (GRCh38, 1-based): chr15:88,531,106, G>A on the plus strand (C>T on the coding strand, the complement: DET1 is on the minus strand). VCF-style: chr15-88531106-G-A. GRCh37 (hg19) VCF-style: chr15-89074337-G-A.
Other names: c.498C>T, p.Thr166= (NM_001321594.2); c.600C>T, p.Thr200= (NM_001321596.1); c.633C>T, p.Thr211= (NM_017996.5).
Identifiers: ClinVar variation 2645669 (VCV002645669.24), dbSNP rs200801177, ClinGen allele CA7718242.

ClinVar aggregate classification (germline): Likely benign (1 of 4 stars; one submission).

Allele frequency attached by ClinVar (database versions not stated): ESP Exome Variant Server 0.00008; gnomAD 0.00019; TOPMed 0.00021; 1000 Genomes Project 0.00100; 1000 Genomes Project 30x 0.00109.
gnomAD v4.1: 172 of 1,613,958 alleles (0.011%); highest among the groups gnomAD compares: East Asian, 0.17%; 4 homozygotes.

Submission:

CeGaT Center for Human Genetics Tuebingen
Classification: Likely benign. Last evaluated: 2023-02-01. Review status: criteria provided, single submitter. Criteria: CeGaT Center For Human Genetics Tuebingen Variant Classification Criteria Version 2. Collection method: clinical testing. Allele origin: germline. Affected: yes. Observed: 1 variant allele.
Comment: DET1: BP4, BP7